The following is an entry in ClinVar:

ClinVar aggregate classification (germline): Uncertain significance. Review status: criteria provided, multiple submitters, no conflicts (2 of 4 stars). 2 submissions from 2 submitters: Uncertain significance (2). Last evaluated 2025-05-19.

Allele frequency attached by ClinVar (database versions not stated): gnomAD exomes 0.00001; ExAC 0.00005; gnomAD 0.00017; TOPMed 0.00019; ESP Exome Variant Server 0.00022.
gnomAD v4.1: 57 of 1,551,596 alleles (0.0037%); highest among the groups gnomAD compares: African/African-American, 0.049%; no homozygotes.

Submissions (2):

Ambry Genetics
Classification: Uncertain significance. Last evaluated: 2025-05-19. Review status: criteria provided, single submitter. Criteria: Ambry Variant Classification Scheme 2023. Collection method: clinical testing. Allele origin: germline.

Labcorp Genetics (formerly Invitae), Labcorp
Classification: Uncertain significance. Last evaluated: 2024-03-18. Review status: criteria provided, single submitter. Criteria: Invitae Variant Classification Sherloc (09022015). Collection method: clinical testing. Allele origin: germline.
Comment: This sequence change replaces arginine, which is basic and polar, with glycine, which is neutral and non-polar, at codon 747 of the FAM65B protein (p.Arg747Gly). This variant is present in population databases (rs370599845, gnomAD 0.06%). This variant has not been reported in the literature in individuals affected with FAM65B-related conditions. ClinVar contains an entry for this variant (Variation ID: 2521266). Algorithms developed to predict the effect of missense changes on protein structure and function output the following: SIFT: "Not Available"; PolyPhen-2: "Benign"; Align-GVGD: "Not Available". The glycine amino acid residue is found in multiple mammalian species, which suggests that this missense change does not adversely affect protein function. In summary, the available evidence is currently insufficient to determine the role of this variant in disease. Therefore, it has been classified as a Variant of Uncertain Significance.

NM_001286445.3(RIPOR2):c.2176A>G (p.Arg726Gly)

Gene: RIPOR2 (RHO family interacting cell polarization regulator 2; minus strand). Cytogenetic location: 6p22.3.
Variant type: single nucleotide variant.
Coding change: c.2176A>G on transcript NM_001286445.3 (MANE Select); coding-DNA position 2176, A replaced by G.
Protein change: p.Arg726Gly; replaces arginine 726 with glycine.
Molecular consequence: missense variant.
Genome position (GRCh38, 1-based): chr6:24,835,735, T>C on the plus strand (A>G on the coding strand, the complement: RIPOR2 is on the minus strand). VCF-style: chr6-24835735-T-C. GRCh37 (hg19) VCF-style: chr6-24835963-T-C.
Other names: c.2089A>G, p.Arg697Gly (NM_001346031.2, NM_001346032.2); c.2239A>G, p.Arg747Gly (NM_014722.5); short protein forms R726G, R697G, R747G.
Identifiers: ClinVar variation 2521266 (VCV002521266.5), dbSNP rs370599845, ClinGen allele CA3659132.